The following is an entry in ClinVar:

ClinVar aggregate classification (germline): Uncertain significance (1 of 4 stars; one submission).

Conditions:
Congenital disorder of glycosylation, type Ii. Also called: CDG Ii; ALG2-CDG; ALG2-congenital disorder of glycosylation. Identifiers: Orphanet 79326, MedGen C1842836, MONDO:0011933, OMIM 607906.
Congenital myasthenic syndrome 14. Also called: Myasthenic syndrome, congenital, 14, with tubular aggregates. Identifiers: Orphanet 353327, Orphanet 590, MedGen C4015597, MONDO:0014543, OMIM 616228.

Submission:

Labcorp Genetics (formerly Invitae), Labcorp
Classification: Uncertain significance for Congenital disorder of glycosylation, type Ii; Congenital myasthenic syndrome 14. Last evaluated: 2022-08-09. Review status: criteria provided, single submitter. Criteria: Invitae Variant Classification Sherloc (09022015). Collection method: clinical testing. Allele origin: germline.
Comment: In summary, the available evidence is currently insufficient to determine the role of this variant in disease. Therefore, it has been classified as a Variant of Uncertain Significance. Experimental studies and prediction algorithms are not available or were not evaluated, and the functional significance of this variant is currently unknown. This variant has not been reported in the literature in individuals affected with ALG2-related conditions. This variant is not present in population databases (gnomAD no frequency). This sequence change creates a premature translational stop signal (p.Phe103Serfs*10) in the ALG2 gene. While this is not anticipated to result in nonsense mediated decay, it is expected to disrupt the last 314 amino acid(s) of the ALG2 protein.

NM_033087.4(ALG2):c.308del (p.Phe103fs)

Gene: ALG2 (ALG2 alpha-1,3/1,6-mannosyltransferase; minus strand). Cytogenetic location: 9q22.33.
Variant type: Deletion.
Coding change: c.308del on transcript NM_033087.4 (MANE Select); coding-DNA position 308, one base deleted (T; older notation c.308delT).
Protein change: p.Phe103fs; shifts the reading frame from phenylalanine 103.
Molecular consequence: frameshift variant. On other transcripts: non-coding transcript variant (1).
Genome position (GRCh38, 1-based): chr9:99,221,587, A deleted on the plus strand (T on the coding strand, the reverse complement: ALG2 is on the minus strand); the first of 2 consecutive A bases (chr9:99,221,587-99,221,588); deleting either gives the same sequence. VCF-style (leftmost placement, unchanged base first): chr9-99221586-GA-G. GRCh37 (hg19) VCF-style: chr9-101983868-GA-G.
Other names: short protein forms F103fs.
Identifiers: ClinVar variation 2041734 (VCV002041734.4), dbSNP rs2490391160, ClinGen allele CA2580080839.
Genomic context (GRCh38, chr9:99,221,586, plus strand): 5'-CCGGCCCCGCGGCCGCCTCACCTGGTCGCACACTACCACGTCGAACTCCTCGTCGGCGAG[GA>G]ACAGCACGTAGAGCGCCAGGAAAACCATGCGCACGTAGGCGCAGACGGCGGCGCCGCGGC-3'